The following is an entry in ClinVar:

ClinVar aggregate classification (germline): Pathogenic (1 of 4 stars; one submission).

Conditions:
Primary ciliary dyskinesia. Also called: Ciliary dyskinesia. Identifiers: Orphanet 244, MedGen C0008780, MONDO:0016575, HP:0012265.

Submission:

Labcorp Genetics (formerly Invitae), Labcorp
Classification: Pathogenic for Primary ciliary dyskinesia. Last evaluated: 2023-04-10. Review status: criteria provided, single submitter. Criteria: Invitae Variant Classification Sherloc (09022015). Collection method: clinical testing. Allele origin: unknown.
Comment: For these reasons, this variant has been classified as Pathogenic. This variant disrupts a region of the DNAI2 protein in which other variant(s) (p.Leu381Pro) have been determined to be pathogenic (Invitae). This suggests that this is a clinically significant region of the protein, and that variants that disrupt it are likely to be disease-causing. This variant has not been reported in the literature in individuals affected with DNAI2-related conditions. This variant is a gross deletion of the genomic region encompassing exon(s) 8-13 of the DNAI2 gene, which includes the termination codon. This deletion extends beyond the assayed region for this gene and therefore may encompass additional genes. While this deletion is not anticipated to lead to nonsense mediated decay, it is expected to alter mRNA translation or result in a truncated protein product.

NC_000017.10:g.(?_72297165)_(72310355_?)del

Gene: DNAI2 (dynein axonemal intermediate chain 2; plus strand). Cytogenetic location: 17q25.1.
Variant type: Deletion.
Identifiers: ClinVar variation 3242827 (VCV003242827.1).